The following is an entry in ClinVar:

NM_001278431.2(C1QTNF5):c.305C>T (p.Pro102Leu)

Genes: C1QTNF5 (C1q and TNF related 5; minus strand), MFRP (membrane frizzled-related protein; minus strand). Cytogenetic location: 11q23.3.
Variant type: single nucleotide variant.
Coding change: c.305C>T on transcript NM_001278431.2 (MANE Select); coding-DNA position 305, C replaced by T.
Protein change: p.Pro102Leu; replaces proline 102 with leucine.
Molecular consequence: missense variant. On other transcripts: 3 prime UTR variant (1).
Genome position (GRCh38, 1-based): chr11:119,339,758, G>A on the plus strand (C>T on the coding strand, the complement: C1QTNF5 is on the minus strand). VCF-style: chr11-119339758-G-A. GRCh37 (hg19) VCF-style: chr11-119210468-G-A.
Other names: c.305C>T, p.Pro102Leu (NM_015645.5); c.*1201C>T (NM_031433.4); short protein forms P102L.
Identifiers: ClinVar variation 2841313 (VCV002841313.3), dbSNP rs2497072126, ClinGen allele CA382969906.

ClinVar aggregate classification (germline): Uncertain significance (1 of 4 stars; one submission).

Submission:

Labcorp Genetics (formerly Invitae), Labcorp
Classification: Uncertain significance. Last evaluated: 2025-01-15. Review status: criteria provided, single submitter. Criteria: Invitae Variant Classification Sherloc (09022015). Collection method: clinical testing. Allele origin: germline.
Comment: This sequence change replaces proline, which is neutral and non-polar, with leucine, which is neutral and non-polar, at codon 102 of the C1QTNF5 protein (p.Pro102Leu). This variant is not present in population databases (gnomAD no frequency). This variant has not been reported in the literature in individuals affected with C1QTNF5-related conditions. ClinVar contains an entry for this variant (Variation ID: 2841313). An algorithm developed to predict the effect of missense changes on protein structure and function (PolyPhen-2) suggests that this variant is likely to be disruptive. In summary, the available evidence is currently insufficient to determine the role of this variant in disease. Therefore, it has been classified as a Variant of Uncertain Significance.